The following is an entry in ClinVar:

ClinVar aggregate classification (germline): Uncertain significance (1 of 4 stars; one submission).

Conditions:
Duchenne muscular dystrophy (DMD). Also called: MUSCULAR DYSTROPHY, PSEUDOHYPERTROPHIC PROGRESSIVE, DUCHENNE TYPE; Duchenne Muscular Dystrophy (DMD). Identifiers: Orphanet 98896, MedGen C0013264, MONDO:0010679, OMIM 310200.

Allele frequency attached by ClinVar (database versions not stated): gnomAD exomes below 0.00001 and 0.00001.
gnomAD v4.1: 5 of 1,204,549 alleles (0.00042%); highest among the groups gnomAD compares: South Asian, 0.0018%; no homozygotes.

Submission:

Labcorp Genetics (formerly Invitae), Labcorp
Classification: Uncertain significance for Duchenne muscular dystrophy. Last evaluated: 2023-10-04. Review status: criteria provided, single submitter. Criteria: Invitae Variant Classification Sherloc (09022015). Collection method: clinical testing. Allele origin: germline.
Comment: This sequence change replaces arginine, which is basic and polar, with histidine, which is basic and polar, at codon 3489 of the DMD protein (p.Arg3489His). The frequency data for this variant in the population databases is considered unreliable, as metrics indicate poor data quality at this position in the gnomAD database. This variant has not been reported in the literature in individuals affected with DMD-related conditions. ClinVar contains an entry for this variant (Variation ID: 1375535). Advanced modeling of protein sequence and biophysical properties (such as structural, functional, and spatial information, amino acid conservation, physicochemical variation, residue mobility, and thermodynamic stability) performed at Invitae indicates that this missense variant is not expected to disrupt DMD protein function. In summary, the available evidence is currently insufficient to determine the role of this variant in disease. Therefore, it has been classified as a Variant of Uncertain Significance.

NM_004006.3(DMD):c.10466G>A (p.Arg3489His)

Gene: DMD (dystrophin; minus strand). Cytogenetic location: Xp21.2.
Variant type: single nucleotide variant.
Coding change: c.10466G>A on transcript NM_004006.3 (MANE Select); coding-DNA position 10466, G replaced by A.
Protein change: p.Arg3489His; replaces arginine 3489 with histidine.
Molecular consequence: missense variant. On other transcripts: intron variant (2).
Genome position (GRCh38, 1-based): chrX:31,169,530, C>T on the plus strand (G>A on the coding strand, the complement: DMD is on the minus strand). VCF-style: chrX-31169530-C-T. GRCh37 (hg19) VCF-style: chrX-31187647-C-T.
Other names: c.10442G>A, p.Arg3481His (NM_000109.4); c.10454G>A, p.Arg3485His (NM_004009.3); c.10097G>A, p.Arg3366His (NM_004010.3); c.6443G>A, p.Arg2148His (NM_004011.4); c.6434G>A, p.Arg2145His (NM_004012.4); c.3086G>A, p.Arg1029His (NM_004013.3, NM_004021.3); c.2279G>A, p.Arg760His (NM_004014.3); c.1262G>A, p.Arg421His (NM_004015.3, NM_004016.3); and 3 more; short protein forms R1016H, R1029H, R2145H, R3366H, R3485H, R760H, R3489H, R2148H.
Identifiers: ClinVar variation 1375535 (VCV001375535.8), dbSNP rs1297635532, ClinGen allele CA412651914.